The following is an entry in ClinVar:

ClinVar aggregate classification (germline): Pathogenic. Review status: criteria provided, multiple submitters, no conflicts (2 of 4 stars). 4 submissions from 4 submitters: Pathogenic (4). Last evaluated 2026-04-17.

Conditions:
Van der Woude syndrome 1. Also called: CLEFT LIP AND/OR PALATE WITH MUCOUS CYSTS OF LOWER LIP; van der Woude Syndrome (VWS). Identifiers: MedGen C4551864, MONDO:0007333, OMIM 119300.
Van der Woude syndrome. Identifiers: Orphanet 888, MedGen C0175697, MONDO:0019508.
Orofacial cleft 6, susceptibility to (OFC6). Also called: CLEFT LIP WITH OR WITHOUT CLEFT PALATE, NONSYNDROMIC, 6. Identifiers: MedGen C1837213, MONDO:0012141, OMIM 608864.
Popliteal pterygium syndrome (PPS). Identifiers: Orphanet 294963, MedGen C0265259, MONDO:0017435.

Allele frequency attached by ClinVar (database versions not stated): gnomAD exomes below 0.00001; TOPMed below 0.00001.

Submissions (4):

Genetics Laboratory, Great Ormond Street Hospital NHS Foundation Trust, North Thames Genomic Laboratory Hub
Classification: Pathogenic for Van der Woude syndrome. Last evaluated: 2026-04-17. Review status: criteria provided, single submitter. Criteria: ACGS Best Practice Guidelines for Variant Classification in Rare Disease 2024 v1.2. Collection method: clinical testing. Allele origin: germline. Affected: yes.
Comment: PS4_moderate, PM2_moderate, PVS1_very-strong, PS3_supporting, PP1_strong

Clinical Genomics Laboratory, Washington University in St. Louis
Classification: Pathogenic for Van der Woude syndrome 1. Last evaluated: 2026-03-21. Review status: criteria provided, single submitter. Criteria: ACMG Guidelines, 2015. Collection method: clinical testing. Allele origin: germline. Affected: yes.
Comment: The IRF6 c.748C>T (p.Arg250*) variant has been reported in many individuals affected with van der Woude syndrome and is reported to segregate with disease in five individuals from one family (Alade AA et al., PMID: 32558391; de Lima RL et al., PMID: 19282774; Desmyter L et al., PMID: 21045959; Gowans LJ et al., PMID: 28361103; X Du et al., PMID: 16998136; Zhao Z et al., PMID: 38903762). This variant has been reported in the ClinVar database as a germline pathogenic variant by two submitters. This variant causes a premature termination codon, which is predicted to lead to nonsense mediated decay. This variant is absent from the general population (gnomAD v2.1.1), indicating it is not a common variant. Based on available information and the ACMG/AMP guidelines for variant interpretation (Richards S et al., PMID: 25741868), this variant is classified as pathogenic.

GeneDx
Classification: Pathogenic. Last evaluated: 2025-12-03. Review status: criteria provided, single submitter. Criteria: GeneDx Variant Classification Process June 2021. Collection method: clinical testing. Allele origin: germline. Affected: yes.
Comment: Nonsense variant predicted to result in protein truncation or nonsense mediated decay in a gene for which loss of function is a known mechanism of disease; Not observed at significant frequency in large population cohorts (gnomAD); This variant is associated with the following publications: (PMID: 25525159, 28361103, 23154523, 32558391, 19282774, 33334172, 38903762, 16998136)

Labcorp Genetics (formerly Invitae), Labcorp
Classification: Pathogenic for Orofacial cleft 6, susceptibility to; Van der Woude syndrome; Popliteal pterygium syndrome. Last evaluated: 2023-07-20. Review status: criteria provided, single submitter. Criteria: Invitae Variant Classification Sherloc (09022015). Collection method: clinical testing. Allele origin: germline.
Comment: This sequence change creates a premature translational stop signal (p.Arg250*) in the IRF6 gene. It is expected to result in an absent or disrupted protein product. Loss-of-function variants in IRF6 are known to be pathogenic (PMID: 19282774, 23949966). This variant is not present in population databases (gnomAD no frequency). This premature translational stop signal has been observed in individuals with autosomal dominant van der Woude syndrome (PMID: 16998136, 21045959, 28361103). It has also been observed to segregate with disease in related individuals. ClinVar contains an entry for this variant (Variation ID: 1074446). For these reasons, this variant has been classified as Pathogenic.

Literature cited by the submitters: PubMed 19282774 (cited by Labcorp Genetics (formerly Invitae), Labcorp); PubMed 23949966 (cited by Labcorp Genetics (formerly Invitae), Labcorp); PubMed 16998136 (cited by Labcorp Genetics (formerly Invitae), Labcorp); PubMed 21045959 (cited by Labcorp Genetics (formerly Invitae), Labcorp); PubMed 28361103 (cited by Labcorp Genetics (formerly Invitae), Labcorp).

NM_006147.4(IRF6):c.748C>T (p.Arg250Ter)

Gene: IRF6 (interferon regulatory factor 6; minus strand). Cytogenetic location: 1q32.2.
Variant type: single nucleotide variant.
Coding change: c.748C>T on transcript NM_006147.4 (MANE Select); coding-DNA position 748, C replaced by T.
Protein change: p.Arg250Ter; replaces arginine 250 with a stop codon.
Molecular consequence: nonsense.
Genome position (GRCh38, 1-based): chr1:209,790,807, G>A on the plus strand (C>T on the coding strand, the complement: IRF6 is on the minus strand). VCF-style: chr1-209790807-G-A. GRCh37 (hg19) VCF-style: chr1-209964152-G-A.
Other names: c.463C>T, p.Arg155Ter (NM_001206696.2); short protein forms R155*, R250*.
Identifiers: ClinVar variation 1074446 (VCV001074446.14), dbSNP rs2077864704, ClinGen allele CA344577554.
Genomic context (GRCh38, chr1:209,790,807, plus strand): 5'-TGACGGGACCAAAGAGCTCCTCCTGGTCAGGCATGGGACCCAGGTCCCCATAGAAGAGTC[G>A]GCAGCCCTGAGGGTTGCTCACGGTCATGGTCTGCCCGTACTCCTTCCCACGGTACTGAAA-3'